The following is an entry in ClinVar:

ClinVar aggregate classification (germline): Uncertain significance (1 of 4 stars; one submission).

gnomAD v4.1: 4 of 1,575,910 alleles (0.00025%); highest among the groups gnomAD compares: East Asian, 0.009%; no homozygotes.

Submission:

Labcorp Genetics (formerly Invitae), Labcorp
Classification: Uncertain significance. Last evaluated: 2025-09-14. Review status: criteria provided, single submitter. Criteria: Invitae Variant Classification Sherloc (09022015). Collection method: clinical testing. Allele origin: germline.
Comment: This sequence change replaces alanine, which is neutral and non-polar, with proline, which is neutral and non-polar, at codon 780 of the TNNI3K protein (p.Ala780Pro). This variant is present in population databases (no rsID available, gnomAD 0.01%). This variant has not been reported in the literature in individuals affected with TNNI3K-related conditions. An algorithm developed to predict the effect of missense changes on protein structure and function (PolyPhen-2) suggests that this variant is likely to be tolerated. In summary, the available evidence is currently insufficient to determine the role of this variant in disease. Therefore, it has been classified as a Variant of Uncertain Significance.

NM_015978.3(TNNI3K):c.2338G>C (p.Ala780Pro)

Genes: FPGT-TNNI3K (FPGT-TNNI3K readthrough; plus strand), LRRC53 (leucine rich repeat containing 53; minus strand), TNNI3K (TNNI3 interacting kinase; plus strand). Cytogenetic location: 1p31.1.
Variant type: single nucleotide variant.
Coding change: c.2338G>C on transcript NM_015978.3 (MANE Select); coding-DNA position 2338, G replaced by C.
Protein change: p.Ala780Pro; replaces alanine 780 with proline.
Molecular consequence: missense variant. On other transcripts: intron variant (2).
Genome position (GRCh38, 1-based): chr1:74,492,253, G>C. VCF-style: chr1-74492253-G-C. GRCh37 (hg19) VCF-style: chr1-74957937-G-C.
Other names: c.2641G>C, p.Ala881Pro (NM_001112808.3); c.-8-11285C>G (NM_001364666.2); c.-26-8878C>G (NM_001382280.1); short protein forms A780P, A881P.
Identifiers: ClinVar variation 4699189 (VCV004699189.1).